The following is an entry in ClinVar:

ClinVar aggregate classification (germline): Uncertain significance. Review status: criteria provided, multiple submitters, no conflicts (2 of 4 stars). 2 submissions from 2 submitters: Uncertain significance (2). Last evaluated 2024-02-01.

Conditions:
Hereditary cancer-predisposing syndrome. Also called: Hereditary Cancer Syndrome; Hereditary neoplastic syndrome; Neoplastic Syndromes, Hereditary; Tumor predisposition. Identifiers: Orphanet 140162, MedGen C0027672, MeSH D009386, MONDO:0015356.
Familial cancer of breast. Also called: BREAST CANCER, FAMILIAL; hereditary breast carcinoma; Hereditary breast cancer. Identifiers: Orphanet 227535, MedGen C0346153, MONDO:0016419, OMIM 114480. Disease mechanism: loss of function.

Submissions (2):

Labcorp Genetics (formerly Invitae), Labcorp
Classification: Uncertain significance for Familial cancer of breast. Last evaluated: 2024-02-01. Review status: criteria provided, single submitter. Criteria: Invitae Variant Classification Sherloc (09022015). Collection method: clinical testing. Allele origin: germline.
Comment: This sequence change replaces isoleucine, which is neutral and non-polar, with threonine, which is neutral and polar, at codon 325 of the PALB2 protein (p.Ile325Thr). This variant is not present in population databases (gnomAD no frequency). This variant has not been reported in the literature in individuals affected with PALB2-related conditions. ClinVar contains an entry for this variant (Variation ID: 1768076). Advanced modeling of protein sequence and biophysical properties (such as structural, functional, and spatial information, amino acid conservation, physicochemical variation, residue mobility, and thermodynamic stability) performed at Invitae indicates that this missense variant is not expected to disrupt PALB2 protein function with a negative predictive value of 80%. In summary, the available evidence is currently insufficient to determine the role of this variant in disease. Therefore, it has been classified as a Variant of Uncertain Significance.

Ambry Genetics
Classification: Uncertain significance for Hereditary cancer-predisposing syndrome. Last evaluated: 2020-01-17. Review status: criteria provided, single submitter. Criteria: Ambry Variant Classification Scheme 2023. Collection method: clinical testing. Allele origin: germline.
Comment: The p.I325T variant (also known as c.974T>C), located in coding exon 4 of the PALB2 gene, results from a T to C substitution at nucleotide position 974. The isoleucine at codon 325 is replaced by threonine, an amino acid with similar properties. This amino acid position is poorly conserved in available vertebrate species. In addition, this alteration is predicted to be tolerated by in silico analysis. Since supporting evidence is limited at this time, the clinical significance of this alteration remains unclear.

NM_024675.4(PALB2):c.974T>C (p.Ile325Thr)

Gene: PALB2 (partner and localizer of BRCA2; minus strand). Cytogenetic location: 16p12.2.
Variant type: single nucleotide variant.
Coding change: c.974T>C on transcript NM_024675.4 (MANE Select); coding-DNA position 974, T replaced by C.
Protein change: p.Ile325Thr; replaces isoleucine 325 with threonine.
Molecular consequence: missense variant.
Genome position (GRCh38, 1-based): chr16:23,635,572, A>G on the plus strand (T>C on the coding strand, the complement: PALB2 is on the minus strand). VCF-style: chr16-23635572-A-G. GRCh37 (hg19) VCF-style: chr16-23646893-A-G.
Other names: c.914T>C, p.Ile305Thr (NM_001407296.1); c.974T>C, p.Ile325Thr (NM_001407297.1, NM_001407298.1, NM_001407299.1 and 3 more transcripts); c.89T>C, p.Ile30Thr (NM_001407304.1, NM_001407305.1, NM_001407306.1 and 5 more transcripts); short protein forms I30T, I305T, I325T.
Identifiers: ClinVar variation 1768076 (VCV001768076.7), dbSNP rs2142429594, ClinGen allele CA395134814.
Genomic context (GRCh38, chr16:23,635,572, plus strand): 5'-AAGTTTTGGTTTTCATTTGCTGGTAAGTTATTGTAGGTGAGTTCATTTAGAGAACATGAA[A>G]TATTTGCCTCTAAATTAGAACTTGTGGGCAGTTGGCCACTTTTACTTATAGCTTTATTTA-3'
Protein context (NP_078951.2, residues 315-335): LPTSSNLEAN[Ile325Thr]SCSLNELTYN